The following is an entry in ClinVar:

ClinVar aggregate classification (germline): Pathogenic. Review status: criteria provided, single submitter (1 of 4 stars). 2 submissions from 2 submitters: Pathogenic (1). 1 of the submissions does not count toward it. Last evaluated 2023-12-15.

Conditions:
Salla disease (SD). Also called: Sialuria, Finnish type; N-acetylneuraminic acid (NANA) storage disease (NSD); Infantile sialic acid storage disorder (ISSD); Less Severe FSASD (Salla Disease). Identifiers: Orphanet 309334, Orphanet 834, MedGen C1096903, MONDO:0011449, OMIM 604369.

Submissions (2):

Labcorp Genetics (formerly Invitae), Labcorp
Classification: Pathogenic for Salla disease. Last evaluated: 2023-12-15. Review status: criteria provided, single submitter. Criteria: Invitae Variant Classification Sherloc (09022015). Collection method: clinical testing. Allele origin: germline.
Comment: This sequence change creates a premature translational stop signal (p.Tyr117Leufs*78) in the SLC17A5 gene. It is expected to result in an absent or disrupted protein product. Loss-of-function variants in SLC17A5 are known to be pathogenic (PMID: 10581036, 10947946, 15172001). This variant is not present in population databases (gnomAD no frequency). This variant has not been reported in the literature in individuals affected with SLC17A5-related conditions. ClinVar contains an entry for this variant (Variation ID: 370442). For these reasons, this variant has been classified as Pathogenic.

Counsyl
Classification: Likely pathogenic for Salla disease. Last evaluated: 2016-02-09. Review status: no assertion criteria provided. Collection method: clinical testing. Allele origin: unknown. Not counted in ClinVar's aggregate classification.

Literature cited by the submitters: PubMed 10581036 (cited by Labcorp Genetics (formerly Invitae), Labcorp); PubMed 10947946 (cited by Labcorp Genetics (formerly Invitae), Labcorp); PubMed 15172001 (cited by Labcorp Genetics (formerly Invitae), Labcorp).

NM_012434.5(SLC17A5):c.349dup (p.Tyr117fs)

Genes: SLC17A5 (solute carrier family 17 member 5; minus strand), LOC132089454 (Neanderthal introgressed variant-containing enhancer experimental_94412; plus strand). Cytogenetic location: 6q13.
Variant type: Duplication.
Coding change: c.349dup on transcript NM_012434.5 (MANE Select); coding-DNA position 349, one base duplicated (T; older notation c.349dupT).
Protein change: p.Tyr117fs; shifts the reading frame from tyrosine 117.
Molecular consequence: frameshift variant.
Genome position (GRCh38, 1-based): chr6:73,641,867, A duplicated on the plus strand (T on the coding strand, the reverse complement: SLC17A5 is on the minus strand); the first of 7 consecutive A bases (chr6:73,641,867-73,641,873); duplicating any one gives the same sequence. VCF-style (leftmost placement, unchanged base first): chr6-73641866-T-TA. GRCh37 (hg19) VCF-style: chr6-74351589-T-TA.
Other names: short protein forms Y117fs.
Identifiers: ClinVar variation 370442 (VCV000370442.6), dbSNP rs772039085, ClinGen allele CA16041086.